The following is an entry in ClinVar:

ClinVar aggregate classification (germline): Likely benign (1 of 4 stars; one submission).

Allele frequency attached by ClinVar (database versions not stated): gnomAD exomes 0.00079; 1000 Genomes Project 30x 0.00406; 1000 Genomes Project 0.00439; gnomAD 0.00650 and 0.00708; TOPMed 0.00737.
gnomAD v4.1: 1,435 of 694,180 alleles (0.21%); highest among the groups gnomAD compares: African/African-American, 2.2%; 17 homozygotes.

Submission:

GeneDx
Classification: Likely benign. Last evaluated: 2018-06-19. Review status: criteria provided, single submitter. Criteria: GeneDx Variant Classification (06012015). Collection method: clinical testing. Allele origin: germline. Affected: yes.
Comment: This variant is considered likely benign or benign based on one or more of the following criteria: it is a conservative change, it occurs at a poorly conserved position in the protein, it is predicted to be benign by multiple in silico algorithms, and/or has population frequency not consistent with disease.

NM_003036.4(SKI):c.1211+173C>T

Gene: SKI (SKI proto-oncogene; plus strand). Cytogenetic location: 1p36.32.
Variant type: single nucleotide variant.
Coding change: c.1211+173C>T on transcript NM_003036.4 (MANE Select); 173 bases into the intron after coding-DNA position 1211, C replaced by T.
Molecular consequence: intron variant.
Genome position (GRCh38, 1-based): chr1:2,303,573, C>T. VCF-style: chr1-2303573-C-T. GRCh37 (hg19) VCF-style: chr1-2235012-C-T.
Identifiers: ClinVar variation 675921 (VCV000675921.1), dbSNP rs150347326, ClinGen allele CA16895838.
Genomic context (GRCh38, chr1:2,303,573, plus strand): 5'-TGGTCAGGGCAGTCTCGGTGTTGGTTCCTTTGGCTGGCATCAGGGAGAGCACACCTAGAG[C>T]GTTCCCTGTGTTCTGGGTGGAGTCGTGGGTGGAGCCCTGTCTGCTGGGCGCAGCTTCTTG-3'